The following is an entry in ClinVar:

NM_003906.5(MCM3AP):c.5204C>T (p.Ser1735Leu)

Genes: MCM3AP (minichromosome maintenance complex component 3 associated protein; minus strand), MCM3AP-AS1 (MCM3AP antisense RNA 1; plus strand). Cytogenetic location: 21q22.3.
Variant type: single nucleotide variant.
Coding change: c.5204C>T on transcript NM_003906.5 (MANE Select); coding-DNA position 5204, C replaced by T.
Protein change: p.Ser1735Leu; replaces serine 1735 with leucine.
Molecular consequence: missense variant.
Genome position (GRCh38, 1-based): chr21:46,243,557, G>A on the plus strand (C>T on the coding strand, the complement: MCM3AP is on the minus strand). VCF-style: chr21-46243557-G-A. GRCh37 (hg19) VCF-style: chr21-47663471-G-A.
Other names: short protein forms S1735L.
Identifiers: ClinVar variation 2153366 (VCV002153366.17), dbSNP rs1053009267, ClinGen allele CA321977313.

ClinVar aggregate classification (germline): Uncertain significance. Review status: criteria provided, multiple submitters, no conflicts (2 of 4 stars). 2 submissions from 2 submitters: Uncertain significance (2). Last evaluated 2024-11-01.

Allele frequency attached by ClinVar (database versions not stated): TOPMed 0.00001.
gnomAD v4.1: 28 of 1,614,180 alleles (0.0017%); highest among the groups gnomAD compares: South Asian, 0.0033%; no homozygotes.

Submissions (2):

CeGaT Center for Human Genetics Tuebingen
Classification: Uncertain significance. Last evaluated: 2024-11-01. Review status: criteria provided, single submitter. Criteria: CeGaT Center For Human Genetics Tuebingen Variant Classification Criteria Version 2. Collection method: clinical testing. Allele origin: germline. Affected: yes. Observed: 1 variant allele.
Comment: MCM3AP: PM2, BP4

Labcorp Genetics (formerly Invitae), Labcorp
Classification: Uncertain significance. Last evaluated: 2023-12-22. Review status: criteria provided, single submitter. Criteria: Invitae Variant Classification Sherloc (09022015). Collection method: clinical testing. Allele origin: germline.
Comment: This sequence change replaces serine, which is neutral and polar, with leucine, which is neutral and non-polar, at codon 1735 of the MCM3AP protein (p.Ser1735Leu). This variant is present in population databases (no rsID available, gnomAD 0.003%). This variant has not been reported in the literature in individuals affected with MCM3AP-related conditions. ClinVar contains an entry for this variant (Variation ID: 2153366). An algorithm developed to predict the effect of missense changes on protein structure and function (PolyPhen-2) suggests that this variant¬†is likely to be tolerated. In summary, the available evidence is currently insufficient to determine the role of this variant in disease. Therefore, it has been classified as a Variant of Uncertain Significance.